The following is an entry in ClinVar:

ClinVar aggregate classification (germline): Conflicting classifications of pathogenicity. Review status: criteria provided, conflicting classifications (1 of 4 stars). 3 submissions from 3 submitters: Uncertain significance (2); Likely benign (1). Last evaluated 2025-04-04.

Conditions:
Hereditary cancer-predisposing syndrome. Also called: Neoplastic Syndromes, Hereditary; Hereditary Cancer Syndrome; Tumor predisposition; Hereditary neoplastic syndrome. Identifiers: Orphanet 140162, MedGen C0027672, MeSH D009386, MONDO:0015356.
Ataxia-telangiectasia syndrome (AT). Also called: LOUIS-BAR SYNDROME; Cerebello-oculocutaneous telangiectasia; Immunodeficiency with ataxia telangiectasia; Ataxia-telangiectasia, complementation group D; AT, COMPLEMENTATION GROUP C; Ataxia-telangiectasia, complementation group E. Identifiers: Orphanet 100, MedGen C0004135, MONDO:0008840, OMIM 208900.

Allele frequency attached by ClinVar (database versions not stated): gnomAD exomes below 0.00001.
gnomAD v4.1: 1 of 1,614,144 alleles (0.000062%); highest among the groups gnomAD compares: Non-Finnish European, 0.000085%; no homozygotes.

Submissions (3):

Ambry Genetics
Classification: Likely benign for Hereditary cancer-predisposing syndrome. Last evaluated: 2025-04-04. Review status: criteria provided, single submitter. Criteria: Ambry Variant Classification Scheme 2023. Collection method: clinical testing. Allele origin: germline.

Labcorp Genetics (formerly Invitae), Labcorp
Classification: Uncertain significance for Ataxia-telangiectasia syndrome. Last evaluated: 2025-03-20. Review status: criteria provided, single submitter. Criteria: Invitae Variant Classification Sherloc (09022015). Collection method: clinical testing. Allele origin: germline.
Comment: This sequence change replaces glutamine, which is neutral and polar, with glutamic acid, which is acidic and polar, at codon 3000 of the ATM protein (p.Gln3000Glu). This variant is not present in population databases (gnomAD no frequency). This variant has not been reported in the literature in individuals affected with ATM-related conditions. ClinVar contains an entry for this variant (Variation ID: 479001). Invitae Evidence Modeling of protein sequence and biophysical properties (such as structural, functional, and spatial information, amino acid conservation, physicochemical variation, residue mobility, and thermodynamic stability) indicates that this missense variant is not expected to disrupt ATM protein function with a negative predictive value of 95%. In summary, the available evidence is currently insufficient to determine the role of this variant in disease. Therefore, it has been classified as a Variant of Uncertain Significance.

Color Diagnostics, LLC DBA Color Health
Classification: Uncertain significance for Hereditary cancer-predisposing syndrome. Last evaluated: 2019-06-05. Review status: criteria provided, single submitter. Criteria: ACMG Guidelines, 2015. Collection method: clinical testing. Allele origin: germline.

Literature cited by the submitters: PubMed 25186627 (cited by Ambry Genetics).

NM_000051.4(ATM):c.8998C>G (p.Gln3000Glu)

Genes: ATM (ATM serine/threonine kinase; plus strand), C11orf65 (chromosome 11 open reading frame 65; minus strand). Cytogenetic location: 11q22.3.
Variant type: single nucleotide variant.
Coding change: c.8998C>G on transcript NM_000051.4 (MANE Select); coding-DNA position 8998, C replaced by G.
Protein change: p.Gln3000Glu; replaces glutamine 3000 with glutamic acid.
Molecular consequence: missense variant. On other transcripts: intron variant (2).
Genome position (GRCh38, 1-based): chr11:108,365,335, C>G. VCF-style: chr11-108365335-C-G. GRCh37 (hg19) VCF-style: chr11-108236062-C-G.
Other names: c.694+20585G>C (NM_001351110.2); c.8998C>G, p.Gln3000Glu (NM_001351834.2); c.640+20585G>C (NM_001330368.2); short protein forms Q3000E.
Identifiers: ClinVar variation 479001 (VCV000479001.17), dbSNP rs587781698, ClinGen allele CA382530840.